The following is an entry in ClinVar:

ClinVar aggregate classification (germline): Likely benign (0 of 4 stars; one submission).

Conditions:
TAOK2-related disorder. Also called: TAOK2-related condition.

gnomAD v4.1: 3 of 1,612,440 alleles (0.00019%); highest among the groups gnomAD compares: Middle Eastern, 0.017%; no homozygotes.

Submission:

PreventionGenetics, part of Exact Sciences
Classification: Likely benign for TAOK2-related condition. Last evaluated: 2019-03-26. Review status: no assertion criteria provided. Collection method: clinical testing. Allele origin: germline.
Comment: This variant is classified as likely benign based on ACMG/AMP sequence variant interpretation guidelines (Richards et al. 2015 PMID: 25741868, with internal and published modifications).

NM_016151.4(TAOK2):c.3325C>A (p.Arg1109=)

Gene: TAOK2 (TAO kinase 2; plus strand). Cytogenetic location: 16p11.2.
Variant type: single nucleotide variant.
Coding change: c.3325C>A on transcript NM_016151.4 (MANE Select); coding-DNA position 3325, C replaced by A.
Protein change: p.Arg1109=; no amino-acid change (arginine 1109 retained).
Molecular consequence: synonymous variant. On other transcripts: intron variant (1).
Genome position (GRCh38, 1-based): chr16:29,987,597, C>A. VCF-style: chr16-29987597-C-A. GRCh37 (hg19) VCF-style: chr16-29998918-C-A.
Other names: c.2986C>A, p.Arg996= (NM_001252043.2); c.2232+1093C>A (NM_004783.4).
Identifiers: ClinVar variation 3047716 (VCV003047716.2), dbSNP rs759836142, ClinGen allele CA494888456.